The following is an entry in ClinVar:

ClinVar aggregate classification (germline): Uncertain significance (1 of 4 stars; one submission).

Conditions:
Spastic paraplegia. Identifiers: MedGen C0037772, HP:0001258.

Submission:

Labcorp Genetics (formerly Invitae), Labcorp
Classification: Uncertain significance for Spastic paraplegia. Last evaluated: 2023-05-31. Review status: criteria provided, single submitter. Criteria: Invitae Variant Classification Sherloc (09022015). Collection method: clinical testing. Allele origin: germline.
Comment: This sequence change replaces leucine, which is neutral and non-polar, with phenylalanine, which is neutral and non-polar, at codon 276 of the SLC16A2 protein (p.Leu276Phe). In summary, the available evidence is currently insufficient to determine the role of this variant in disease. Therefore, it has been classified as a Variant of Uncertain Significance. Advanced modeling of protein sequence and biophysical properties (such as structural, functional, and spatial information, amino acid conservation, physicochemical variation, residue mobility, and thermodynamic stability) has been performed at Invitae for this missense variant, however the output from this modeling did not meet the statistical confidence thresholds required to predict the impact of this variant on SLC16A2 protein function. This variant has not been reported in the literature in individuals affected with SLC16A2-related conditions. This variant is not present in population databases (gnomAD no frequency).

NM_006517.5(SLC16A2):c.826C>T (p.Leu276Phe)

Gene: SLC16A2 (solute carrier family 16 member 2; plus strand). Cytogenetic location: Xq13.2.
Variant type: single nucleotide variant.
Coding change: c.826C>T on transcript NM_006517.5 (MANE Select); coding-DNA position 826, C replaced by T.
Protein change: p.Leu276Phe; replaces leucine 276 with phenylalanine.
Molecular consequence: missense variant.
Genome position (GRCh38, 1-based): chrX:74,524,609, C>T. VCF-style: chrX-74524609-C-T. GRCh37 (hg19) VCF-style: chrX-73744444-C-T.
Other names: short protein forms L276F.
Identifiers: ClinVar variation 2754026 (VCV002754026.3), dbSNP rs2519806682, ClinGen allele CA413657378.